The following is an entry in ClinVar:

NM_005199.5(CHRNG):c.137_141del (p.Arg46fs)

Gene: CHRNG (cholinergic receptor nicotinic gamma subunit; plus strand). Cytogenetic location: 2q37.1.
Variant type: Deletion.
Coding change: c.137_141del on transcript NM_005199.5 (MANE Select); coding-DNA positions 137 to 141, 5 bases deleted (GAGAC; older notation c.137_141delGAGAC).
Protein change: p.Arg46fs; shifts the reading frame from arginine 46.
Molecular consequence: frameshift variant.
Genome position (GRCh38, 1-based): chr2:232,540,073-232,540,077, GAGAC deleted; deleting any 5 consecutive bases within chr2:232,540,071-232,540,077 gives the same sequence; the c. name uses the placement nearest the transcript's 3' end. VCF-style (leftmost placement, unchanged base first): chr2-232540070-AACGAG-A. GRCh37 (hg19) VCF-style: chr2-233404780-AACGAG-A.
Other names: short protein forms R46fs.
Identifiers: ClinVar variation 3023953 (VCV003023953.4), dbSNP rs1485492241, ClinGen allele CA766141419.

ClinVar aggregate classification (germline): Pathogenic/Likely pathogenic. Review status: criteria provided, multiple submitters, no conflicts (2 of 4 stars). 2 submissions from 2 submitters: Pathogenic (1); Likely pathogenic (1). Last evaluated 2023-01-25.

Conditions:
Lethal multiple pterygium syndrome (LMPS). Identifiers: Orphanet 33108, MedGen C1854678, MONDO:0009668, OMIM 253290.
Autosomal recessive multiple pterygium syndrome. Also called: MULTIPLE PTERYGIUM SYNDROME, ESCOBAR VARIANT; PTERYGIUM COLLI SYNDROME; PTERYGIUM SYNDROME; PTERYGIUM UNIVERSALE. Identifiers: Orphanet 2990, MedGen C0265261, MONDO:0009926, OMIM 265000.

Submissions (2):

Labcorp Genetics (formerly Invitae), Labcorp
Classification: Pathogenic. Last evaluated: 2023-01-25. Review status: criteria provided, single submitter. Criteria: Invitae Variant Classification Sherloc (09022015). Collection method: clinical testing. Allele origin: germline.
Comment: This sequence change creates a premature translational stop signal (p.Arg46Leufs*88) in the CHRNG gene. It is expected to result in an absent or disrupted protein product. Loss-of-function variants in CHRNG are known to be pathogenic (PMID: 16826520). This variant is not present in population databases (gnomAD no frequency). This variant has not been reported in the literature in individuals affected with CHRNG-related conditions. For these reasons, this variant has been classified as Pathogenic.

Molecular Genetics Department, Kulakov National Medical Research Center for Obstetrics, Gynecology and Perinatology
Classification: Likely pathogenic for Lethal multiple pterygium syndrome; Autosomal recessive multiple pterygium syndrome. Review status: criteria provided, single submitter. Criteria: ACMG Guidelines, 2015. Collection method: clinical testing. Allele origin: germline. Affected: yes. Observed: 1 variant allele.
Comment: A previously undescribed heterozygous nucleotide variant creates a frameshift p.Arg46LeufsTer88 in the CHRNG gene. Homozygous and compound heterozygous variants are reported in patients with escobar syndrome, 265000; Multiple pterygium syndrome, lethal type, 253290. The variant is not present in population database (gnomAD no frequency). In summary, the currently available evidence indicates that the variant is pathogenic, but additional data are needed to prove that conclusively. Therefore, this variant has been classified as likely pathogenic.

Literature cited by the submitters: PubMed 16826520 (cited by Labcorp Genetics (formerly Invitae), Labcorp).